The following is an entry in ClinVar:

NM_138691.3(TMC1):c.1201C>A (p.Leu401Ile)

Gene: TMC1 (transmembrane channel like 1; plus strand). Cytogenetic location: 9q21.13.
Variant type: single nucleotide variant.
Coding change: c.1201C>A on transcript NM_138691.3 (MANE Select); coding-DNA position 1201, C replaced by A.
Protein change: p.Leu401Ile; replaces leucine 401 with isoleucine.
Molecular consequence: missense variant.
Genome position (GRCh38, 1-based): chr9:72,789,294, C>A. VCF-style: chr9-72789294-C-A. GRCh37 (hg19) VCF-style: chr9-75404210-C-A.
Other names: short protein forms L401I.
Identifiers: ClinVar variation 931065 (VCV000931065.3), dbSNP rs1271495869, ClinGen allele CA373505075.

ClinVar aggregate classification (germline): Uncertain significance (1 of 4 stars; one submission).

Conditions:
Autosomal recessive nonsyndromic hearing loss 7. Also called: DEAFNESS, AUTOSOMAL RECESSIVE 11. Identifiers: Orphanet 90636, MedGen C1832978, MONDO:0010967, OMIM 600974.

Submission:

Centre for Mendelian Genomics, University Medical Centre Ljubljana
Classification: Uncertain significance for Autosomal recessive nonsyndromic hearing loss 7. Last evaluated: 2016-01-01. Review status: criteria provided, single submitter. Criteria: ACMG Guidelines, 2015. Collection method: clinical testing. Allele origin: unknown. Affected: yes.
Comment: This variant was classified as: Uncertain significance. The following ACMG criteria were applied in classifying this variant: PM2,PP3,PP4.